The following is an entry in ClinVar:

NM_001009944.3(PKD1):c.10764G>A (p.Trp3588Ter)

Genes: PKD1 (polycystin 1, transient receptor potential channel interacting; minus strand), PKD1-AS1 (PKD1 antisense RNA 1; plus strand). Cytogenetic location: 16p13.3.
Variant type: single nucleotide variant.
Coding change: c.10764G>A on transcript NM_001009944.3 (MANE Select); coding-DNA position 10764, G replaced by A.
Protein change: p.Trp3588Ter; replaces tryptophan 3588 with a stop codon.
Molecular consequence: nonsense.
Genome position (GRCh38, 1-based): chr16:2,093,868, C>T on the plus strand (G>A on the coding strand, the complement: PKD1 is on the minus strand). VCF-style: chr16-2093868-C-T. GRCh37 (hg19) VCF-style: chr16-2143869-C-T.
Other names: c.10761G>A, p.Trp3587Ter (NM_000296.4); short protein forms W3587*, W3588*.
Identifiers: ClinVar variation 2500646 (VCV002500646.1), dbSNP rs2151708577, ClinGen allele CA394340074.

ClinVar aggregate classification (germline): Likely pathogenic (1 of 4 stars; one submission).

Submission:

GeneDx
Classification: Likely pathogenic. Last evaluated: 2022-10-26. Review status: criteria provided, single submitter. Criteria: GeneDx Variant Classification Process June 2021. Collection method: clinical testing. Allele origin: germline. Affected: yes.
Comment: Nonsense variant predicted to result in protein truncation or nonsense mediated decay in a gene for which loss of function is a known mechanism of disease; Not observed at significant frequency in large population cohorts (gnomAD); Has not been previously published as pathogenic or benign to our knowledge